The following is an entry in ClinVar:

ClinVar aggregate classification (germline): Uncertain significance. Review status: criteria provided, multiple submitters, no conflicts (2 of 4 stars). 2 submissions from 2 submitters: Uncertain significance (2). Last evaluated 2023-11-17.

Conditions:
Inborn genetic diseases. Identifiers: MedGen C0950123, MeSH D030342.

Submissions (2):

Ambry Genetics
Classification: Uncertain significance for Inborn genetic diseases. Last evaluated: 2023-11-17. Review status: criteria provided, single submitter. Criteria: Ambry Variant Classification Scheme 2023. Collection method: clinical testing. Allele origin: germline.

Labcorp Genetics (formerly Invitae), Labcorp
Classification: Uncertain significance. Last evaluated: 2022-11-16. Review status: criteria provided, single submitter. Criteria: Invitae Variant Classification Sherloc (09022015). Collection method: clinical testing. Allele origin: germline.
Comment: This variant is not present in population databases (gnomAD no frequency). This sequence change replaces serine, which is neutral and polar, with phenylalanine, which is neutral and non-polar, at codon 1323 of the ARHGAP31 protein (p.Ser1323Phe). This variant has not been reported in the literature in individuals affected with ARHGAP31-related conditions. In summary, the available evidence is currently insufficient to determine the role of this variant in disease. Therefore, it has been classified as a Variant of Uncertain Significance. Algorithms developed to predict the effect of missense changes on protein structure and function are either unavailable or do not agree on the potential impact of this missense change (SIFT: "Deleterious"; PolyPhen-2: "Probably Damaging"; Align-GVGD: "Class C0").

NM_020754.4(ARHGAP31):c.3968C>T (p.Ser1323Phe)

Gene: ARHGAP31 (Rho GTPase activating protein 31; plus strand). Cytogenetic location: 3q13.33.
Variant type: single nucleotide variant.
Coding change: c.3968C>T on transcript NM_020754.4 (MANE Select); coding-DNA position 3968, C replaced by T.
Protein change: p.Ser1323Phe; replaces serine 1323 with phenylalanine.
Molecular consequence: missense variant.
Genome position (GRCh38, 1-based): chr3:119,415,897, C>T. VCF-style: chr3-119415897-C-T. GRCh37 (hg19) VCF-style: chr3-119134744-C-T.
Other names: c.3968C>T (NM_020754.2); short protein forms S1323F.
Identifiers: ClinVar variation 1993145 (VCV001993145.5), dbSNP rs2472879266, ClinGen allele CA354061053.
Genomic context (GRCh38, chr3:119,415,897, plus strand): 5'-CAGTAGTGCAATGCAGAAAGCGCATGTCAGAGACAGAGCCATCTGGGGACAACCTTCTTT[C>T]TTCAAAACTAGAGCGACCATCTGGGGGTTCTAAGCCTTTCCACAGGTCAAGGCCAGGAAG-3'
Protein context (NP_065805.2, residues 1313-1333): ETEPSGDNLL[Ser1323Phe]SKLERPSGGS